The following is an entry in ClinVar:

ClinVar aggregate classification (germline): Uncertain significance. Review status: criteria provided, multiple submitters, no conflicts (2 of 4 stars). 2 submissions from 2 submitters: Uncertain significance (2). Last evaluated 2024-08-09.

Allele frequency attached by ClinVar (database versions not stated): gnomAD exomes below 0.00001 and 0.00001; TOPMed below 0.00001; ExAC 0.00001; gnomAD 0.00001; ESP Exome Variant Server 0.00015.
gnomAD v4.1: 22 of 1,614,092 alleles (0.0014%); highest among the groups gnomAD compares: Non-Finnish European, 0.0019%; no homozygotes.

Submissions (2):

Labcorp Genetics (formerly Invitae), Labcorp
Classification: Uncertain significance. Last evaluated: 2024-08-09. Review status: criteria provided, single submitter. Criteria: Invitae Variant Classification Sherloc (09022015). Collection method: clinical testing. Allele origin: germline.
Comment: This sequence change replaces valine, which is neutral and non-polar, with isoleucine, which is neutral and non-polar, at codon 20 of the RHO protein (p.Val20Ile). This variant is present in population databases (rs370401948, gnomAD 0.0009%). This variant has not been reported in the literature in individuals affected with RHO-related conditions. ClinVar contains an entry for this variant (Variation ID: 866051). Advanced modeling of protein sequence and biophysical properties (such as structural, functional, and spatial information, amino acid conservation, physicochemical variation, residue mobility, and thermodynamic stability) has been performed at Invitae for this missense variant, however the output from this modeling did not meet the statistical confidence thresholds required to predict the impact of this variant on RHO protein function. This variant disrupts the p.Val20 amino acid residue in RHO. Other variant(s) that disrupt this residue have been determined to be pathogenic (PMID: 16170112, 24106275, 30977563). This suggests that this residue is clinically significant, and that variants that disrupt this residue are likely to be disease-causing. In summary, the available evidence is currently insufficient to determine the role of this variant in disease. Therefore, it has been classified as a Variant of Uncertain Significance.

Blueprint Genetics
Classification: Uncertain significance. Last evaluated: 2017-12-06. Review status: criteria provided, single submitter. Criteria: ACMG Guidelines, 2015. Collection method: clinical testing. Allele origin: germline.

Literature cited by the submitters: PubMed 16170112 (cited by Labcorp Genetics (formerly Invitae), Labcorp); PubMed 24106275 (cited by Labcorp Genetics (formerly Invitae), Labcorp); PubMed 30977563 (cited by Labcorp Genetics (formerly Invitae), Labcorp).

NM_000539.3(RHO):c.58G>A (p.Val20Ile)

Gene: RHO (rhodopsin; plus strand). Cytogenetic location: 3q22.1.
Variant type: single nucleotide variant.
Coding change: c.58G>A on transcript NM_000539.3 (MANE Select); coding-DNA position 58, G replaced by A.
Protein change: p.Val20Ile; replaces valine 20 with isoleucine.
Molecular consequence: missense variant.
Genome position (GRCh38, 1-based): chr3:129,528,791, G>A. VCF-style: chr3-129528791-G-A. GRCh37 (hg19) VCF-style: chr3-129247634-G-A.
Other names: short protein forms V20I.
Identifiers: ClinVar variation 866051 (VCV000866051.10), dbSNP rs370401948, ClinGen allele CA2607050.